The following is an entry in ClinVar:

ClinVar aggregate classification (germline): Conflicting classifications of pathogenicity. Review status: criteria provided, conflicting classifications (1 of 4 stars). 7 submissions from 7 submitters: Uncertain significance (1); Benign (6). Last evaluated 2026-02-04.

Conditions:
Maturity-onset diabetes of the young (MODY). Also called: Maturity onset diabetes mellitus in young. Identifiers: Orphanet 552, MedGen C0342276, MONDO:0018911, HP:0004904.
Type 2 diabetes mellitus. Also called: Type II diabetes mellitus. Identifiers: MedGen C0011860, MeSH D003924, MONDO:0005148, OMIM 125853, HP:0005978.

Allele frequency attached by ClinVar (database versions not stated): 1000 Genomes Project 0.67053; 1000 Genomes Project 30x 0.67958; gnomAD exomes 0.73477 and 0.76743; TOPMed 0.74308; gnomAD 0.74316 and 0.74681; ExAC 0.75781; ESP Exome Variant Server 0.76892.
gnomAD v4.1: 1,227,834 of 1,604,714 alleles (77%); highest among the groups gnomAD compares: Middle Eastern, 83%; 474,935 homozygotes.

Submissions (7):

Labcorp Genetics (formerly Invitae), Labcorp
Classification: Benign. Last evaluated: 2026-02-04. Review status: criteria provided, single submitter. Criteria: Invitae Variant Classification Sherloc (09022015). Collection method: clinical testing. Allele origin: germline.

Blueprint Genetics
Classification: Benign. Last evaluated: 2024-11-27. Review status: criteria provided, single submitter. Criteria: ACMG Guidelines, 2015. Collection method: clinical testing. Allele origin: germline.

Genome-Nilou Lab
Classification: Benign for Type 2 diabetes mellitus. Last evaluated: 2021-09-05. Review status: criteria provided, single submitter. Criteria: ACMG Guidelines, 2015. Collection method: clinical testing. Allele origin: germline. Affected: no.

GeneDx
Classification: Benign. Last evaluated: 2015-03-03. Review status: criteria provided, single submitter. Criteria: GeneDx Variant Classification Process June 2021. Collection method: clinical testing. Allele origin: germline. Affected: yes.
Comment: This variant is associated with the following publications: (PMID: 15509590, 20360641, 15834548, 27334367)

Genetic Services Laboratory, University of Chicago
Classification: Benign for AllHighlyPenetrant. Last evaluated: 2013-12-27. Review status: criteria provided, single submitter. Criteria: ACMG Guidelines, 2007. Collection method: clinical testing. Allele origin: germline. Inheritance: Autosomal dominant inheritance.

Clinical Genomics, Uppaluri K&H Personalized Medicine Clinic
Classification: Uncertain significance for Maturity-onset diabetes of the young. Review status: criteria provided, single submitter. Criteria: K & H Uppaluri Personalized Medicine Clinic Variant Classification & Assertion Criteria_Updated V.1. Collection method: research. Allele origin: somatic. Inheritance: Autosomal dominant inheritance.
Comment: Though PAX4 gene is associated with MODY, no sufficeint evidence is found to ascertain the role of this particular variant rs712701 in MODY yet. More clinical studies are required to validate the association.

PreventionGenetics, part of Exact Sciences
Classification: Benign. Review status: criteria provided, single submitter. Criteria: ACMG Guidelines, 2015. Collection method: clinical testing. Allele origin: germline.

Literature cited by the submitters: PubMed 25951767 (cited by Clinical Genomics, Uppaluri K&H Personalized Medicine Clinic); PubMed 32801813 (cited by Clinical Genomics, Uppaluri K&H Personalized Medicine Clinic).

NM_001366110.1(PAX4):c.986A>C (p.His329Pro)

Gene: PAX4 (paired box 4; minus strand). Cytogenetic location: 7q32.1.
Variant type: single nucleotide variant.
Coding change: c.986A>C on transcript NM_001366110.1 (MANE Select); coding-DNA position 986, A replaced by C.
Protein change: p.His329Pro; replaces histidine 329 with proline.
Molecular consequence: missense variant. On other transcripts: intron variant (1).
Genome position (GRCh38, 1-based): chr7:127,611,134, T>G on the plus strand (A>C on the coding strand, the complement: PAX4 is on the minus strand). VCF-style: chr7-127611134-T-G. GRCh37 (hg19) VCF-style: chr7-127251188-T-G.
Other names: NM_006193.2:c.962A>C; c.914-149A>C (NM_001366111.1); short protein forms H329P.
Identifiers: ClinVar variation 129878 (VCV000129878.24), dbSNP rs712701, ClinGen allele CA154225.
Genomic context (GRCh38, chr7:127,611,134, plus strand): 5'-CCATACAGTAGTGGGCAGCCAGGCCAGAGCAGGGCCTGAGAGCCACTAAGACTGGCCAGG[T>G]GACAGTGGGAGGAAGGGCAAGGAAGGCAAAGCAGTCCTGAGTCCAGGGAATTCGGCTGTG-3'
Protein context (NP_001353039.1, residues 319-339): LCLPCPSSHC[His329Pro]LASLSGSQAL